The following is an entry in ClinVar:

NM_019066.5(MAGEL2):c.1065G>A (p.Pro355=)

Gene: MAGEL2 (MAGE family member L2; minus strand). Cytogenetic location: 15q11.2.
Variant type: single nucleotide variant.
Coding change: c.1065G>A on transcript NM_019066.5 (MANE Select); coding-DNA position 1065, G replaced by A.
Protein change: p.Pro355=; no amino-acid change (proline 355 retained).
Molecular consequence: synonymous variant.
Genome position (GRCh38, 1-based): chr15:23,646,678, C>T on the plus strand (G>A on the coding strand, the complement: MAGEL2 is on the minus strand). VCF-style: chr15-23646678-C-T. GRCh37 (hg19) VCF-style: chr15-23891825-C-T.
Identifiers: ClinVar variation 1925875 (VCV001925875.29), dbSNP rs918016429, ClinGen allele CA267660765.

ClinVar aggregate classification (germline): Likely benign. Review status: criteria provided, multiple submitters, no conflicts (2 of 4 stars). 2 submissions from 2 submitters: Likely benign (2). Last evaluated 2023-05-31.

Allele frequency attached by ClinVar (database versions not stated): gnomAD 0.00002.
gnomAD v4.1: 25 of 1,513,076 alleles (0.0017%); highest among the groups gnomAD compares: South Asian, 0.0025%; no homozygotes.

Submissions (2):

Labcorp Genetics (formerly Invitae), Labcorp
Classification: Likely benign. Last evaluated: 2023-05-31. Review status: criteria provided, single submitter. Criteria: Invitae Variant Classification Sherloc (09022015). Collection method: clinical testing. Allele origin: germline.

CeGaT Center for Human Genetics Tuebingen
Classification: Likely benign. Last evaluated: 2022-04-01. Review status: criteria provided, single submitter. Criteria: CeGaT Center For Human Genetics Tuebingen Variant Classification Criteria Version 2. Collection method: clinical testing. Allele origin: germline. Affected: yes. Observed: 1 variant allele.
Comment: MAGEL2: BP4, BP7